The following is an entry in ClinVar:

ClinVar aggregate classification (germline): Uncertain significance (1 of 4 stars; one submission).

gnomAD v4.1: 33 of 1,614,108 alleles (0.002%); highest among the groups gnomAD compares: African/African-American, 0.032%; no homozygotes.

Submission:

Labcorp Genetics (formerly Invitae), Labcorp
Classification: Uncertain significance. Last evaluated: 2024-11-25. Review status: criteria provided, single submitter. Criteria: Invitae Variant Classification Sherloc (09022015). Collection method: clinical testing. Allele origin: germline.
Comment: This sequence change replaces alanine, which is neutral and non-polar, with valine, which is neutral and non-polar, at codon 285 of the ATP4A protein (p.Ala285Val). This variant is present in population databases (rs375031967, gnomAD 0.04%). This variant has not been reported in the literature in individuals affected with ATP4A-related conditions. Invitae Evidence Modeling of protein sequence and biophysical properties (such as structural, functional, and spatial information, amino acid conservation, physicochemical variation, residue mobility, and thermodynamic stability) indicates that this missense variant is not expected to disrupt ATP4A protein function with a negative predictive value of 80%. In summary, the available evidence is currently insufficient to determine the role of this variant in disease. Therefore, it has been classified as a Variant of Uncertain Significance.

NM_000704.3(ATP4A):c.854C>T (p.Ala285Val)

Gene: ATP4A (ATPase H+/K+ transporting subunit alpha; minus strand). Cytogenetic location: 19q13.12.
Variant type: single nucleotide variant.
Coding change: c.854C>T on transcript NM_000704.3 (MANE Select); coding-DNA position 854, C replaced by T.
Protein change: p.Ala285Val; replaces alanine 285 with valine.
Molecular consequence: missense variant.
Genome position (GRCh38, 1-based): chr19:35,560,007, G>A on the plus strand (C>T on the coding strand, the complement: ATP4A is on the minus strand). VCF-style: chr19-35560007-G-A. GRCh37 (hg19) VCF-style: chr19-36050909-G-A.
Other names: short protein forms A285V.
Identifiers: ClinVar variation 3716572 (VCV003716572.2).